The following is an entry in ClinVar:

NM_032602.2(GJA10):c.943C>T (p.Pro315Ser)

Gene: GJA10 (gap junction protein alpha 10; plus strand). Cytogenetic location: 6q15.
Variant type: single nucleotide variant.
Coding change: c.943C>T on transcript NM_032602.2 (MANE Select); coding-DNA position 943, C replaced by T.
Protein change: p.Pro315Ser; replaces proline 315 with serine.
Molecular consequence: missense variant.
Genome position (GRCh38, 1-based): chr6:89,895,411, C>T. VCF-style: chr6-89895411-C-T. GRCh37 (hg19) VCF-style: chr6-90605130-C-T.
Other names: short protein forms P315S.
Identifiers: ClinVar variation 2656769 (VCV002656769.24), dbSNP rs61730677, ClinGen allele CA3927597.

ClinVar aggregate classification (germline): Likely benign (1 of 4 stars; one submission).

Allele frequency attached by ClinVar (database versions not stated): 1000 Genomes Project 30x 0.00344; 1000 Genomes Project 0.00359; ESP Exome Variant Server 0.00361; TOPMed 0.00447; ExAC 0.00603; gnomAD 0.00608.

Submission:

CeGaT Center for Human Genetics Tuebingen
Classification: Likely benign. Last evaluated: 2022-12-01. Review status: criteria provided, single submitter. Criteria: CeGaT Center For Human Genetics Tuebingen Variant Classification Criteria Version 2. Collection method: clinical testing. Allele origin: germline. Affected: yes. Observed: 1 variant allele.
Comment: GJA10: BS2